The following is an entry in ClinVar:

ClinVar aggregate classification (germline): Uncertain significance (1 of 4 stars; one submission).

Allele frequency attached by ClinVar (database versions not stated): ExAC 0.00001; gnomAD exomes 0.00001; TOPMed 0.00002; gnomAD 0.00003; ESP Exome Variant Server 0.00008.
gnomAD v4.1: 21 of 1,613,682 alleles (0.0013%); highest among the groups gnomAD compares: African/African-American, 0.0067%; no homozygotes.

Submission:

Women's Health and Genetics/Laboratory Corporation of America, LabCorp
Classification: Uncertain significance. Last evaluated: 2022-06-09. Review status: criteria provided, single submitter. Criteria: LabCorp Variant Classification Summary - May 2015. Collection method: clinical testing. Allele origin: germline.
Comment: Variant summary: VWF c.5311G>A (p.Gly1771Arg) results in a non-conservative amino acid change located in the von Willebrand factor, type A domain (IPR002035) of the encoded protein sequence. Five of five in-silico tools predict a damaging effect of the variant on protein function. Several computational tools predict a significant impact on normal splicing: Three predict the variant abolishes a 5' splicing donor site, and one predicts the variant abolishes a cryptic 3' acceptor site. However, these predictions have yet to be confirmed by functional studies. The variant allele was found at a frequency of 1.2e-05 in 249874 control chromosomes (gnomAD). The available data on variant occurrences in the general population are insufficient to allow any conclusion about variant significance. c.5311G>A has been reported in the literature in individuals affected with Von Willebrand Disease (Corrales_2012, Borras_2017). These data do not allow any conclusion about variant significance. To our knowledge, no experimental evidence demonstrating an impact on protein function has been reported. No clinical diagnostic laboratories have submitted clinical-significance assessments for this variant to ClinVar after 2014. Based on the evidence outlined above, the variant was classified as uncertain significance.

Literature cited by the submitters: PubMed 28971901; PubMed 22315491.

NM_000552.5(VWF):c.5311G>A (p.Gly1771Arg)

Gene: VWF (von Willebrand factor; minus strand). Cytogenetic location: 12p13.31.
Variant type: single nucleotide variant.
Coding change: c.5311G>A on transcript NM_000552.5 (MANE Select); coding-DNA position 5311, G replaced by A.
Protein change: p.Gly1771Arg; replaces glycine 1771 with arginine.
Molecular consequence: missense variant.
Genome position (GRCh38, 1-based): chr12:6,016,516, C>T on the plus strand (G>A on the coding strand, the complement: VWF is on the minus strand). VCF-style: chr12-6016516-C-T. GRCh37 (hg19) VCF-style: chr12-6125682-C-T.
Other names: short protein forms G1771R.
Identifiers: ClinVar variation 1698529 (VCV001698529.1), dbSNP rs370016586, ClinGen allele CA6402325.